The following is an entry in ClinVar:

NM_024105.4(ALG12):c.776C>T (p.Pro259Leu)

Gene: ALG12 (ALG12 alpha-1,6-mannosyltransferase; minus strand). Cytogenetic location: 22q13.33.
Variant type: single nucleotide variant.
Coding change: c.776C>T on transcript NM_024105.4 (MANE Select); coding-DNA position 776, C replaced by T.
Protein change: p.Pro259Leu; replaces proline 259 with leucine.
Molecular consequence: missense variant.
Genome position (GRCh38, 1-based): chr22:49,907,937, G>A on the plus strand (C>T on the coding strand, the complement: ALG12 is on the minus strand). VCF-style: chr22-49907937-G-A. GRCh37 (hg19) VCF-style: chr22-50301585-G-A.
Other names: short protein forms P259L.
Identifiers: ClinVar variation 1415466 (VCV001415466.5), dbSNP rs149109851, ClinGen allele CA10300449.

ClinVar aggregate classification (germline): Uncertain significance (1 of 4 stars; one submission).

Conditions:
ALG12-congenital disorder of glycosylation (CDG1G). Also called: ALG12-CDG; CDG Ig; Congenital disorder of glycosylation, type Ig. Identifiers: Orphanet 79324, MedGen C2931001, MONDO:0011783, OMIM 607143.

Allele frequency attached by ClinVar (database versions not stated): gnomAD 0.00002; gnomAD exomes 0.00002; ExAC 0.00003; TOPMed 0.00006; ESP Exome Variant Server 0.00008.
gnomAD v4.1: 16 of 1,612,196 alleles (0.00099%); highest among the groups gnomAD compares: African/African-American, 0.012%; no homozygotes.

Submission:

Labcorp Genetics (formerly Invitae), Labcorp
Classification: Uncertain significance for ALG12-congenital disorder of glycosylation. Last evaluated: 2023-10-18. Review status: criteria provided, single submitter. Criteria: Invitae Variant Classification Sherloc (09022015). Collection method: clinical testing. Allele origin: germline.
Comment: This sequence change replaces proline, which is neutral and non-polar, with leucine, which is neutral and non-polar, at codon 259 of the ALG12 protein (p.Pro259Leu). This variant is present in population databases (rs149109851, gnomAD 0.01%). This variant has not been reported in the literature in individuals affected with ALG12-related conditions. ClinVar contains an entry for this variant (Variation ID: 1415466). Advanced modeling of protein sequence and biophysical properties (such as structural, functional, and spatial information, amino acid conservation, physicochemical variation, residue mobility, and thermodynamic stability) performed at Invitae indicates that this missense variant is expected to disrupt ALG12 protein function. In summary, the available evidence is currently insufficient to determine the role of this variant in disease. Therefore, it has been classified as a Variant of Uncertain Significance.